The following is an entry in ClinVar:

ClinVar aggregate classification (germline): Pathogenic (1 of 4 stars; one submission).

Submission:

Labcorp Genetics (formerly Invitae), Labcorp
Classification: Pathogenic. Last evaluated: 2022-05-07. Review status: criteria provided, single submitter. Criteria: Invitae Variant Classification Sherloc (09022015). Collection method: clinical testing. Allele origin: germline.
Comment: This variant is a gross deletion of the genomic region encompassing exon(s) 39-48 of the NBAS gene. This deletion is out-of-frame, and is expected to create a premature termination codon and result in an absent or disrupted protein product. Loss-of-function variants in NBAS are known to be pathogenic (PMID: 26073778, 26541327, 27789416, 28031453). This variant has not been reported in the literature in individuals affected with NBAS-related conditions. For these reasons, this variant has been classified as Pathogenic.

Literature cited by the submitters: PubMed 26073778; PubMed 26541327; PubMed 27789416; PubMed 28031453.

NC_000002.11:g.(?_15358877)_(15449391_?)del

Gene: NBAS (NBAS subunit of NRZ tethering complex; minus strand). Cytogenetic location: 2p24.3.
Variant type: Deletion.
Identifiers: ClinVar variation 2426229 (VCV002426229.4).